The following is an entry in ClinVar:

NM_015346.4(ZFYVE26):c.667C>A (p.Arg223=)

Gene: ZFYVE26 (zinc finger FYVE-type containing 26; minus strand). Cytogenetic location: 14q24.1.
Variant type: single nucleotide variant.
Coding change: c.667C>A on transcript NM_015346.4 (MANE Select); coding-DNA position 667, C replaced by A.
Protein change: p.Arg223=; no amino-acid change (arginine 223 retained).
Molecular consequence: synonymous variant.
Genome position (GRCh38, 1-based): chr14:67,807,617, G>T on the plus strand (C>A on the coding strand, the complement: ZFYVE26 is on the minus strand). VCF-style: chr14-67807617-G-T. GRCh37 (hg19) VCF-style: chr14-68274334-G-T.
Identifiers: ClinVar variation 1998256 (VCV001998256.4), dbSNP rs1301230097, ClinGen allele CA486971703.
Genomic context (GRCh38, chr14:67,807,617, plus strand): 5'-GTTCCTCACACAGGAGATGCAACTCAACCCCAAGTGGTTCTGCGGGGCAACGCAGAGTCC[G>T]CAGGGCTCCATAGATGGCATCGACTACCCCAGGGGGCACCGAATCAGGGCCCTGCAAAGC-3'
Protein context (NP_056161.2, residues 213-233): GVVDAIYGAL[Arg223=]TLRCPAEPLG

ClinVar aggregate classification (germline): Uncertain significance (1 of 4 stars; one submission).

Conditions:
Spastic paraplegia. Identifiers: MedGen C0037772, HP:0001258.

Allele frequency attached by ClinVar (database versions not stated): TOPMed below 0.00001.

Submission:

Labcorp Genetics (formerly Invitae), Labcorp
Classification: Uncertain significance for Spastic paraplegia. Last evaluated: 2022-07-11. Review status: criteria provided, single submitter. Criteria: Invitae Variant Classification Sherloc (09022015). Collection method: clinical testing. Allele origin: germline.
Comment: In summary, the available evidence is currently insufficient to determine the role of this variant in disease. Therefore, it has been classified as a Variant of Uncertain Significance. Algorithms developed to predict the effect of sequence changes on RNA splicing suggest that this variant may create or strengthen a splice site. This variant has not been reported in the literature in individuals affected with ZFYVE26-related conditions. This variant is not present in population databases (gnomAD no frequency). This sequence change affects codon 223 of the ZFYVE26 mRNA. It is a 'silent' change, meaning that it does not change the encoded amino acid sequence of the ZFYVE26 protein.